The following is an entry in ClinVar:

NM_000344.4(SMN1):c.835-24T>G

Gene: SMN1 (survival of motor neuron 1, telomeric). Cytogenetic location: 5q13.2.
Variant type: single nucleotide variant.
Coding change: c.835-24T>G on transcript NM_000344.4 (MANE Select); 24 bases into the intron before coding-DNA position 835, T replaced by G.
Molecular consequence: intron variant.
Genome position (GRCh38, 1-based): chr5:70,951,917, T>G. VCF-style: chr5-70951917-T-G. GRCh37 (hg19) VCF-style: chr5-70247744-T-G.
Other names: c.835-522T>G (NM_001297715.1); c.739-24T>G (NM_022874.2).
Identifiers: ClinVar variation 495824 (VCV000495824.1), dbSNP rs748758067, ClinGen allele CA658683388.
Genomic context (GRCh38, chr5:70,951,917, plus strand): 5'-TTTAACATCCATATAAAGCTATCTATATATAGCTATCTATGTCTATATAGCTATTTTTTT[T>G]AACTTCCTTTATTTTCCTTACAGGGTTTCAGACAAAATCAAAAAGAAGGAAGGTGCTCAC-3'

ClinVar aggregate classification (germline): Uncertain significance (1 of 4 stars; one submission).

Submission:

Women's Health and Genetics/Laboratory Corporation of America, LabCorp
Classification: Uncertain significance. Last evaluated: 2017-02-20. Review status: criteria provided, single submitter. Criteria: LabCorp Variant Classification Summary - May 2015. Collection method: clinical testing. Allele origin: germline.
Comment: Variant summary: The SMN1 c.835-24T>G variant involves the alteration of a non-conserved intronic nucleotide. Mutation Taster predicts a benign outcome for this variant. 5/5 splice prediction tools predict no significant impact on normal splicing. However, these predictions have yet to be confirmed by functional studies. This variant is absent in 118368 control chromosomes from ExAC. The variant of interest has not, to our knowledge, been reported in affected individuals via publications and/or reputable databases/clinical diagnostic laboratories; nor evaluated for functional impact by in vivo/vitro studies. Taken together, this variant is classified as VUS-possibly benign.